The following is an entry in ClinVar:

NM_000038.6(APC):c.6795A>C (p.Gln2265His)

Gene: APC (APC regulator of Wnt signaling pathway; plus strand). Cytogenetic location: 5q22.2.
Variant type: single nucleotide variant.
Coding change: c.6795A>C on transcript NM_000038.6 (MANE Select); coding-DNA position 6795, A replaced by C.
Protein change: p.Gln2265His; replaces glutamine 2265 with histidine.
Molecular consequence: missense variant. On other transcripts: non-coding transcript variant (2).
Genome position (GRCh38, 1-based): chr5:112,842,389, A>C. VCF-style: chr5-112842389-A-C. GRCh37 (hg19) VCF-style: chr5-112178086-A-C.
Other names: c.6795A>C, p.Gln2265His (NM_001127510.3, NM_001354895.2, NM_001407450.1); c.6741A>C, p.Gln2247His (NM_001127511.3); c.6849A>C, p.Gln2283His (NM_001354896.2, NM_001407447.1, NM_001407448.1 and 1 more transcripts); c.6825A>C, p.Gln2275His (NM_001354897.2); c.6720A>C, p.Gln2240His (NM_001354898.2); c.6711A>C, p.Gln2237His (NM_001354899.2); c.6672A>C, p.Gln2224His (NM_001354900.2); c.6618A>C, p.Gln2206His (NM_001354901.2, NM_001407453.1); and 11 more; short protein forms Q1881H, Q2174H, Q2247H, Q2105H, Q2164H, Q2206H, Q2237H, Q2275H.
Identifiers: ClinVar variation 3881770 (VCV003881770.1).
Genomic context (GRCh38, chr5:112,842,389, plus strand): 5'-TGTTTCTAAAAAAGGCCCACCCCTTAAGACTCCAGCCTCCAAAAGCCCTAGTGAAGGTCA[A>C]ACAGCCACCACTTCTCCTAGAGGAGCCAAGCCATCTGTGAAATCAGAATTAAGCCCTGTT-3'
Protein context (NP_000029.2, residues 2255-2275): TPASKSPSEG[Gln2265His]TATTSPRGAK

ClinVar aggregate classification (germline): Uncertain significance (1 of 4 stars; one submission).

Conditions:
Hereditary cancer-predisposing syndrome. Also called: Tumor predisposition; Neoplastic Syndromes, Hereditary; Hereditary Cancer Syndrome; Hereditary neoplastic syndrome. Identifiers: Orphanet 140162, MedGen C0027672, MeSH D009386, MONDO:0015356.

Submission:

Ambry Genetics
Classification: Uncertain significance for Hereditary cancer-predisposing syndrome. Last evaluated: 2025-01-13. Review status: criteria provided, single submitter. Criteria: Ambry Variant Classification Scheme 2023. Collection method: clinical testing. Allele origin: germline.
Comment: The p.Q2265H variant (also known as c.6795A>C), located in coding exon 15 of the APC gene, results from an A to C substitution at nucleotide position 6795. The glutamine at codon 2265 is replaced by histidine, an amino acid with highly similar properties. This amino acid position is conserved. In addition, in silico predictors for this gene do not accurately predict pathogenicity. Based on the available evidence, the clinical significance of this variant remains unclear.